The following is an entry in ClinVar:

ClinVar aggregate classification (germline): Uncertain significance (1 of 4 stars; one submission).

Conditions:
Epileptic encephalopathy. Identifiers: MedGen C0543888, HP:0200134.

Submission:

Labcorp Genetics (formerly Invitae), Labcorp
Classification: Uncertain significance for Epileptic encephalopathy. Last evaluated: 2025-11-12. Review status: criteria provided, single submitter. Criteria: Invitae Variant Classification Sherloc (09022015). Collection method: clinical testing. Allele origin: germline.
Comment: This variant, c.1641_1643del, results in the deletion of 1 amino acid(s) of the FASN protein (p.Asp548del), but otherwise preserves the integrity of the reading frame. This variant is not present in population databases (gnomAD no frequency). This variant has not been reported in the literature in individuals affected with FASN-related conditions. Experimental studies and prediction algorithms are not available or were not evaluated, and the functional significance of this variant is currently unknown. In summary, the available evidence is currently insufficient to determine the role of this variant in disease. Therefore, it has been classified as a Variant of Uncertain Significance.

NM_004104.5(FASN):c.1638TGA[1] (p.Asp548del)

Gene: FASN (fatty acid synthase; minus strand). Cytogenetic location: 17q25.3.
Variant type: Microsatellite.
Coding change: c.1638TGA[1] on transcript NM_004104.5 (MANE Select); one copy of the 3-base unit TGA starting at c.1638; the reference has two copies in a row; one copy, 3 bases deleted.
Protein change: p.Asp548del; deletes aspartic acid 548.
Genome position (GRCh38, 1-based): chr17:82,090,919-82,090,921, TCA deleted on the plus strand (TGA on the coding strand, the reverse complement: FASN is on the minus strand); deleting any 3 consecutive bases within chr17:82,090,919-82,090,924 gives the same sequence; the position shown is the placement nearest the transcript's 3' end. VCF-style (leftmost placement, unchanged base first): chr17-82090918-GTCA-G. GRCh37 (hg19) VCF-style: chr17-80048794-GTCA-G.
Other names: short protein forms D548del.
Identifiers: ClinVar variation 4763565 (VCV004763565.1).